The following is an entry in ClinVar:

ClinVar aggregate classification (germline): Uncertain significance. Review status: criteria provided, multiple submitters, no conflicts (2 of 4 stars). 2 submissions from 2 submitters: Uncertain significance (2). Last evaluated 2026-04-30.

Conditions:
Cardiovascular phenotype. Identifiers: MedGen CN230736.
Long QT syndrome (LQTS). Identifiers: MedGen C0023976, MeSH D008133, MONDO:0002442. Disease mechanism: loss of function. Inheritance: Various modes of inheritance.

Allele frequency attached by ClinVar (database versions not stated): gnomAD 0.00001.
gnomAD v4.1: 3 of 1,613,658 alleles (0.00019%); highest among the groups gnomAD compares: East Asian, 0.0022%; no homozygotes.

Submissions (2):

Ambry Genetics
Classification: Uncertain significance for Cardiovascular phenotype. Last evaluated: 2026-04-30. Review status: criteria provided, single submitter. Criteria: Ambry Variant Classification Scheme 2023. Collection method: clinical testing. Allele origin: germline.
Comment: The p.G388S variant (also known as c.1162G>A), located in coding exon 2 of the KCNJ5 gene, results from a G to A substitution at nucleotide position 1162. The glycine at codon 388 is replaced by serine, an amino acid with similar properties. This amino acid position is conserved. In addition, this alteration is predicted to be tolerated by in silico analysis. Based on the available evidence, the clinical significance of this variant remains unclear.

Labcorp Genetics (formerly Invitae), Labcorp
Classification: Uncertain significance for Long QT syndrome. Last evaluated: 2022-12-08. Review status: criteria provided, single submitter. Criteria: Invitae Variant Classification Sherloc (09022015). Collection method: clinical testing. Allele origin: germline.
Comment: Advanced modeling of protein sequence and biophysical properties (such as structural, functional, and spatial information, amino acid conservation, physicochemical variation, residue mobility, and thermodynamic stability) performed at Invitae indicates that this missense variant is not expected to disrupt KCNJ5 protein function. In summary, the available evidence is currently insufficient to determine the role of this variant in disease. Therefore, it has been classified as a Variant of Uncertain Significance. This variant has not been reported in the literature in individuals affected with KCNJ5-related conditions. This sequence change replaces glycine, which is neutral and non-polar, with serine, which is neutral and polar, at codon 388 of the KCNJ5 protein (p.Gly388Ser). This variant is not present in population databases (gnomAD no frequency).

NM_000890.5(KCNJ5):c.1162G>A (p.Gly388Ser)

Gene: KCNJ5 (potassium inwardly rectifying channel subfamily J member 5; plus strand). Cytogenetic location: 11q24.3.
Variant type: single nucleotide variant.
Coding change: c.1162G>A on transcript NM_000890.5 (MANE Select); coding-DNA position 1162, G replaced by A.
Protein change: p.Gly388Ser; replaces glycine 388 with serine.
Molecular consequence: missense variant.
Genome position (GRCh38, 1-based): chr11:128,916,633, G>A. VCF-style: chr11-128916633-G-A. GRCh37 (hg19) VCF-style: chr11-128786528-G-A.
Other names: c.1162G>A, p.Gly388Ser (NM_001354169.2); short protein forms G388S.
Identifiers: ClinVar variation 2747052 (VCV002747052.4), dbSNP rs764499695, ClinGen allele CA383236041.